The following is an entry in ClinVar:

NM_005751.5(AKAP9):c.10014del (p.Leu3339fs)

Gene: AKAP9 (A-kinase anchoring protein 9; plus strand). Cytogenetic location: 7q21.2.
Variant type: Deletion.
Coding change: c.10014del on transcript NM_005751.5 (MANE Select); coding-DNA position 10014, one base deleted (C; older notation c.10014delC).
Protein change: p.Leu3339fs; shifts the reading frame from leucine 3339.
Molecular consequence: frameshift variant.
Genome position (GRCh38, 1-based): chr7:92,096,973, C deleted; the last of 3 consecutive C bases (chr7:92,096,971-92,096,973); deleting any one gives the same sequence. VCF-style (leftmost placement, unchanged base first): chr7-92096970-AC-A. GRCh37 (hg19) VCF-style: chr7-91726284-AC-A.
Other names: c.4659del, p.Leu1554fs (NM_001379277.1); c.9990del, p.Leu3331fs (NM_147185.3); short protein forms L3331fs, L1554fs, L3339fs.
Identifiers: ClinVar variation 1759480 (VCV001759480.2), dbSNP rs1816700242, ClinGen allele CA1725761111.
Genomic context (GRCh38, chr7:92,096,970, plus strand): 5'-TAGGGAGCGGGAATTGCACGCACAGCTGCAGAGCAGTGATGGTACTGGACAGTCTCGGCC[AC>A]CCTTGCCCTCAGAGGACCTACTGAAAGAGCTGCAGAAACAGCTAGAGGAAAAACACAGTC-3'

ClinVar aggregate classification (germline): Uncertain significance (1 of 4 stars; one submission).

Conditions:
Cardiovascular phenotype. Identifiers: MedGen CN230736.

Submission:

Ambry Genetics
Classification: Uncertain significance for Cardiovascular phenotype. Last evaluated: 2022-07-11. Review status: criteria provided, single submitter. Criteria: Ambry Variant Classification Scheme 2023. Collection method: clinical testing. Allele origin: germline.
Comment: The c.10014delC variant, located in coding exon 41 of the AKAP9 gene, results from a deletion of one nucleotide at nucleotide position 10014, causing a translational frameshift with a predicted alternate stop codon (p.L3339Cfs*7). This alteration is expected to result in premature protein truncation or nonsense-mediated mRNA decay. However, loss of function of AKAP9 has not been clearly established as a mechanism of disease. The evidence for this gene-disease relationship is limited; therefore, the clinical significance of this alteration is unclear.